The following is an entry in ClinVar:

ClinVar aggregate classification (germline): Likely pathogenic (0 of 4 stars; one submission).

Conditions:
FGD1-related disorder. Also called: FGD1-related condition; FGD1-related disorders.

Submission:

PreventionGenetics, part of Exact Sciences
Classification: Likely pathogenic for FGD1-related condition. Last evaluated: 2024-08-27. Review status: no assertion criteria provided. Collection method: clinical testing. Allele origin: germline.
Comment: The FGD1 c.2580+1G>A variant is predicted to disrupt the GT donor site and interfere with normal splicing. To our knowledge, this variant has not been reported in the literature or in a large population database, indicating this variant is rare. Variants that disrupt the consensus splice donor site in FGD1 are expected to be pathogenic. This variant is interpreted as likely pathogenic.

NM_004463.3(FGD1):c.2580+1G>A

Genes: FGD1 (FYVE, RhoGEF and PH domain containing 1; minus strand), TSR2 (TSR2 ribosome maturation factor; plus strand). Cytogenetic location: Xp11.22.
Variant type: single nucleotide variant.
Coding change: c.2580+1G>A on transcript NM_004463.3 (MANE Select); the canonical splice donor site of the intron after coding-DNA position 2580, G replaced by A.
Molecular consequence: splice donor variant. On other transcripts: 3 prime UTR variant (5).
Genome position (GRCh38, 1-based): chrX:54,447,310, C>T on the plus strand (G>A on the coding strand, the complement: FGD1 is on the minus strand). VCF-style: chrX-54447310-C-T. GRCh37 (hg19) VCF-style: chrX-54473743-C-T.
Other names: c.*2760C>T (NM_001346789.2, NM_001346790.2, NM_001346791.2 and 2 more transcripts).
Identifiers: ClinVar variation 3356039 (VCV003356039.1).
Genomic context (GRCh38, chrX:54,447,310, plus strand): 5'-TCAAGGACTGGATCTGGCTTTGCCAGGTGGCTGAAAGGACCCGAAGGAGTAGGATGCATA[C>T]CTGAGGGGCTCCGTAGATATACAGCACCAAGGGTTCATTTTCAGGGACCACGAACCATGC-3'